The following is an entry in ClinVar:

ClinVar aggregate classification (germline): Pathogenic. Review status: criteria provided, single submitter (1 of 4 stars). 2 submissions from 2 submitters: Pathogenic (1). 1 of the submissions does not count toward it. Last evaluated 2025-02-20.

Conditions:
Immunodeficiency 121 with autoinflammation. Identifiers: MedGen C5935616, MONDO:0971001, OMIM 620807.

Submissions (2):

3billion
Classification: Pathogenic for Immunodeficiency 121 with autoinflammation. Last evaluated: 2025-02-20. Review status: criteria provided, single submitter. Criteria: ACMG Guidelines, 2015. Collection method: clinical testing. Allele origin: germline. Affected: yes.
Comment: The variant is not observed in the gnomAD v4.1.0 dataset. Predicted Consequence/Location: Missense variant In silico tool predictions suggest damaging effect of the variant on gene or gene product [REVEL: 0.76 (>=0.6, sensitivity 0.68 and specificity 0.92); 3Cnet: 0.83 (>=0.6, sensitivity 0.72 and precision 0.9)]. The same nucleotide change resulting in the same amino acid change has been previously reported to be associated with PSMB10-related disorder (ClinVar ID: VCV003241968).The variant has been previously reported as de novo in at least two similarly affected unrelated individuals (PMID: 38503300). Therefore, this variant is classified as Pathogenic according to the recommendation of ACMG/AMP guideline.

OMIM
Classification: Pathogenic for IMMUNODEFICIENCY 121 WITH AUTOINFLAMMATION. Last evaluated: 2024-06-11. Review status: no assertion criteria provided. Collection method: literature only. Allele origin: germline. Not counted in ClinVar's aggregate classification.

Literature cited by the submitters: PubMed 38503300 (cited by 3billion and OMIM).

NM_002801.4(PSMB10):c.601G>A (p.Gly201Arg)

Gene: PSMB10 (proteasome 20S subunit beta 10; minus strand). Cytogenetic location: 16q22.1.
Variant type: single nucleotide variant.
Coding change: c.601G>A on transcript NM_002801.4 (MANE Select); coding-DNA position 601, G replaced by A.
Protein change: p.Gly201Arg; replaces glycine 201 with arginine.
Molecular consequence: missense variant.
Genome position (GRCh38, 1-based): chr16:67,934,906, C>T on the plus strand (G>A on the coding strand, the complement: PSMB10 is on the minus strand). VCF-style: chr16-67934906-C-T. GRCh37 (hg19) VCF-style: chr16-67968809-C-T.
Other names: PSMB10, GLY201ARG, 601G-A; short protein forms G201R.
Identifiers: ClinVar variation 3241968 (VCV003241968.2), dbSNP rs1333515119.